The following is an entry in ClinVar:

ClinVar aggregate classification (germline): Uncertain significance (1 of 4 stars; one submission).

Allele frequency attached by ClinVar (database versions not stated): TOPMed 0.00001.

Submission:

Labcorp Genetics (formerly Invitae), Labcorp
Classification: Uncertain significance. Last evaluated: 2022-11-22. Review status: criteria provided, single submitter. Criteria: Invitae Variant Classification Sherloc (09022015). Collection method: clinical testing. Allele origin: germline.
Comment: This variant is not present in population databases (gnomAD no frequency). This sequence change replaces serine, which is neutral and polar, with proline, which is neutral and non-polar, at codon 697 of the TBCK protein (p.Ser697Pro). This variant has not been reported in the literature in individuals affected with TBCK-related conditions. In summary, the available evidence is currently insufficient to determine the role of this variant in disease. Therefore, it has been classified as a Variant of Uncertain Significance. Advanced modeling of protein sequence and biophysical properties (such as structural, functional, and spatial information, amino acid conservation, physicochemical variation, residue mobility, and thermodynamic stability) performed at Invitae indicates that this missense variant is expected to disrupt TBCK protein function. ClinVar contains an entry for this variant (Variation ID: 1463380).

NM_001163435.3(TBCK):c.2089T>C (p.Ser697Pro)

Gene: TBCK (TBC1 domain containing kinase; minus strand). Cytogenetic location: 4q24.
Variant type: single nucleotide variant.
Coding change: c.2089T>C on transcript NM_001163435.3 (MANE Select); coding-DNA position 2089, T replaced by C.
Protein change: p.Ser697Pro; replaces serine 697 with proline.
Molecular consequence: missense variant.
Genome position (GRCh38, 1-based): chr4:106,171,241, A>G on the plus strand (T>C on the coding strand, the complement: TBCK is on the minus strand). VCF-style: chr4-106171241-A-G. GRCh37 (hg19) VCF-style: chr4-107092398-A-G.
Other names: c.2089T>C, p.Ser697Pro (NM_001163436.4); c.1972T>C, p.Ser658Pro (NM_001163437.3); c.1573T>C, p.Ser525Pro (NM_001290768.2); c.1900T>C, p.Ser634Pro (NM_033115.5); short protein forms S525P, S634P, S658P, S697P.
Identifiers: ClinVar variation 1463380 (VCV001463380.8), dbSNP rs1026165717, ClinGen allele CA102830615.